The following is an entry in ClinVar:

NM_001330700.2(TOP2B):c.3362A>G (p.Glu1121Gly)

Gene: TOP2B (DNA topoisomerase II beta; minus strand). Cytogenetic location: 3p24.2.
Variant type: single nucleotide variant.
Coding change: c.3362A>G on transcript NM_001330700.2 (MANE Select); coding-DNA position 3362, A replaced by G.
Protein change: p.Glu1121Gly; replaces glutamic acid 1121 with glycine.
Molecular consequence: missense variant.
Genome position (GRCh38, 1-based): chr3:25,615,576, T>C on the plus strand (A>G on the coding strand, the complement: TOP2B is on the minus strand). VCF-style: chr3-25615576-T-C. GRCh37 (hg19) VCF-style: chr3-25657067-T-C.
Other names: c.3347A>G (NM_001068.2); c.3347A>G, p.Glu1116Gly (NM_001068.3); short protein forms E1121G, E1116G.
Identifiers: ClinVar variation 1506750 (VCV001506750.7), dbSNP rs1426286180, ClinGen allele CA351895980.

ClinVar aggregate classification (germline): Uncertain significance. Review status: criteria provided, multiple submitters, no conflicts (2 of 4 stars). 2 submissions from 2 submitters: Uncertain significance (2). Last evaluated 2024-11-27.

gnomAD v4.1: 3 of 1,544,392 alleles (0.00019%); highest among the groups gnomAD compares: Non-Finnish European, 0.00026%; no homozygotes.

Submissions (2):

Ambry Genetics
Classification: Uncertain significance. Last evaluated: 2024-11-27. Review status: criteria provided, single submitter. Criteria: Ambry Variant Classification Scheme 2023. Collection method: clinical testing. Allele origin: germline.

Labcorp Genetics (formerly Invitae), Labcorp
Classification: Uncertain significance. Last evaluated: 2023-11-24. Review status: criteria provided, single submitter. Criteria: Invitae Variant Classification Sherloc (09022015). Collection method: clinical testing. Allele origin: germline.
Comment: This sequence change replaces glutamic acid, which is acidic and polar, with glycine, which is neutral and non-polar, at codon 1116 of the TOP2B protein (p.Glu1116Gly). This variant is not present in population databases (gnomAD no frequency). This variant has not been reported in the literature in individuals affected with TOP2B-related conditions. ClinVar contains an entry for this variant (Variation ID: 1506750). An algorithm developed to predict the effect of missense changes on protein structure and function (PolyPhen-2) suggests that this variant is likely to be tolerated. In summary, the available evidence is currently insufficient to determine the role of this variant in disease. Therefore, it has been classified as a Variant of Uncertain Significance.